The following is an entry in ClinVar:

NM_001370259.2(MEN1):c.895C>A (p.Leu299Ile)

Gene: MEN1 (menin 1; minus strand). Cytogenetic location: 11q13.1.
Variant type: single nucleotide variant.
Coding change: c.895C>A on transcript NM_001370259.2 (MANE Select); coding-DNA position 895, C replaced by A.
Protein change: p.Leu299Ile; replaces leucine 299 with isoleucine.
Molecular consequence: missense variant.
Genome position (GRCh38, 1-based): chr11:64,807,028, G>T on the plus strand (C>A on the coding strand, the complement: MEN1 is on the minus strand). VCF-style: chr11-64807028-G-T. GRCh37 (hg19) VCF-style: chr11-64574500-G-T.
Other names: c.910C>A, p.Leu304Ile (NM_000244.4, NM_130800.3, NM_130801.3 and 3 more transcripts); c.895C>A, p.Leu299Ile (NM_001370251.2, NM_001370260.2, NM_001370261.2 and 1 more transcripts); c.790C>A, p.Leu264Ile (NM_001370262.2, NM_001370263.2); short protein forms L299I, L264I, L304I.
Identifiers: ClinVar variation 958625 (VCV000958625.12), dbSNP rs1592646339, ClinGen allele CA381183515.
Genomic context (GRCh38, chr11:64,807,028, plus strand): 5'-ACTGTTAGGGTCTCCCTTCTGCACCCTCCTTAGATGCCCCCACCTTGTGGTAGAGGGTGA[G>T]TGGGTCTGGCCGGCCAGGGGTGGGCTCCAGCTCCTCTAGATCTGCCAGGTTCCCTAAGGC-3'
Protein context (NP_001357188.2, residues 289-309): LEPTPGRPDP[Leu299Ile]TLYHKGIASA

ClinVar aggregate classification (germline): Uncertain significance. Review status: criteria provided, multiple submitters, no conflicts (2 of 4 stars). 2 submissions from 2 submitters: Uncertain significance (2). Last evaluated 2023-06-25.

Conditions:
Hereditary cancer-predisposing syndrome. Also called: Hereditary neoplastic syndrome; Tumor predisposition; Neoplastic Syndromes, Hereditary; Hereditary Cancer Syndrome. Identifiers: Orphanet 140162, MedGen C0027672, MeSH D009386, MONDO:0015356.
Multiple endocrine neoplasia, type 1 (MEN1). Also called: MEN I; WERMER SYNDROME; Endocrine adenomatosis multiple; MEN 1; MEA I. Identifiers: Orphanet 652, MedGen C0025267, MeSH D018761, MONDO:0007540, OMIM 131100.

Allele frequency attached by ClinVar (database versions not stated): TOPMed 0.00001.

Submissions (2):

Labcorp Genetics (formerly Invitae), Labcorp
Classification: Uncertain significance for Multiple endocrine neoplasia, type 1. Last evaluated: 2023-06-25. Review status: criteria provided, single submitter. Criteria: Invitae Variant Classification Sherloc (09022015). Collection method: clinical testing. Allele origin: germline.
Comment: In summary, the available evidence is currently insufficient to determine the role of this variant in disease. Therefore, it has been classified as a Variant of Uncertain Significance. Advanced modeling of protein sequence and biophysical properties (such as structural, functional, and spatial information, amino acid conservation, physicochemical variation, residue mobility, and thermodynamic stability) performed at Invitae indicates that this missense variant is expected to disrupt MEN1 protein function. ClinVar contains an entry for this variant (Variation ID: 958625). This variant has not been reported in the literature in individuals affected with MEN1-related conditions. This variant is not present in population databases (gnomAD no frequency). This sequence change replaces leucine, which is neutral and non-polar, with isoleucine, which is neutral and non-polar, at codon 299 of the MEN1 protein (p.Leu299Ile).

Ambry Genetics
Classification: Uncertain significance for Hereditary cancer-predisposing syndrome. Last evaluated: 2022-03-29. Review status: criteria provided, single submitter. Criteria: Ambry Variant Classification Scheme 2023. Collection method: clinical testing. Allele origin: germline.
Comment: The p.L299I variant (also known as c.895C>A), located in coding exon 5 of the MEN1 gene, results from a C to A substitution at nucleotide position 895. The leucine at codon 299 is replaced by isoleucine, an amino acid with highly similar properties. This amino acid position is conserved. In addition, the in silico prediction for this alteration is inconclusive. Since supporting evidence is limited at this time, the clinical significance of this alteration remains unclear.